The following is an entry in ClinVar:

ClinVar aggregate classification (germline): Uncertain significance (1 of 4 stars; one submission).

Conditions:
Congenital myasthenic syndrome 8. Also called: MYASTHENIC SYNDROME, CONGENITAL, DUE TO AGRIN DEFICIENCY; Myasthenic syndrome, congenital, 8, with pre- and postsynaptic defects. Identifiers: Orphanet 590, MedGen C3808739, MONDO:0014052, OMIM 615120.

gnomAD v4.1: 1 of 1,580,850 alleles (0.000063%); no homozygotes.

Submission:

Labcorp Genetics (formerly Invitae), Labcorp
Classification: Uncertain significance for Congenital myasthenic syndrome 8. Last evaluated: 2019-06-18. Review status: criteria provided, single submitter. Criteria: Invitae Variant Classification Sherloc (09022015). Collection method: clinical testing. Allele origin: germline.
Comment: This variant is not present in population databases (ExAC no frequency). In summary, the available evidence is currently insufficient to determine the role of this variant in disease. Therefore, it has been classified as a Variant of Uncertain Significance. Algorithms developed to predict the effect of missense changes on protein structure and function are either unavailable or do not agree on the potential impact of this missense change (SIFT: "Deleterious"; PolyPhen-2: "Possibly Damaging"; Align-GVGD: "Class C0"). This variant has not been reported in the literature in individuals with AGRN-related conditions. This sequence change replaces threonine with asparagine at codon 1274 of the AGRN protein (p.Thr1274Asn). The threonine residue is moderately conserved and there is a small physicochemical difference between threonine and asparagine.

NM_198576.4(AGRN):c.3821C>A (p.Thr1274Asn)

Gene: AGRN (agrin; plus strand). Cytogenetic location: 1p36.33.
Variant type: single nucleotide variant.
Coding change: c.3821C>A on transcript NM_198576.4 (MANE Select); coding-DNA position 3821, C replaced by A.
Protein change: p.Thr1274Asn; replaces threonine 1274 with asparagine.
Molecular consequence: missense variant.
Genome position (GRCh38, 1-based): chr1:1,048,081, C>A. VCF-style: chr1-1048081-C-A. GRCh37 (hg19) VCF-style: chr1-983461-C-A.
Other names: c.3821C>A, p.Thr1274Asn (NM_001305275.2); c.3506C>A, p.Thr1169Asn (NM_001364727.2); short protein forms T1169N, T1274N.
Identifiers: ClinVar variation 942536 (VCV000942536.9), dbSNP rs1645153244, ClinGen allele CA337852472.
Genomic context (GRCh38, chr1:1,048,081, plus strand): 5'-CTGCGTTTATCACGGGGGCCACGTCAGGAGCCATTGCTGCGGGAGCCACGGCCAGAGCCA[C>A]CACTGCATCGCGCCTGCCGTCCTCTGCTGTGACCCCTCGGGCCCCGCACCCCAGTCACAC-3'
Protein context (NP_940978.2, residues 1264-1284): AIAAGATARA[Thr1274Asn]TASRLPSSAV